The following is an entry in ClinVar:

ClinVar aggregate classification (germline): Uncertain significance (1 of 4 stars; one submission).

Conditions:
Amyotrophic lateral sclerosis type 19. Identifiers: Orphanet 803, MedGen C3715155, MONDO:0014223, OMIM 615515.

Allele frequency attached by ClinVar (database versions not stated): gnomAD exomes 0.00001; TOPMed 0.00001.

Submission:

Laboratorio de Genetica e Diagnostico Molecular, Hospital Israelita Albert Einstein
Classification: Uncertain significance for Amyotrophic lateral sclerosis type 19. Last evaluated: 2022-12-22. Review status: criteria provided, single submitter. Criteria: ACMG Guidelines, 2015. Collection method: clinical testing. Allele origin: germline. Affected: yes. Observed: 1 variant allele.
Comment: ACMG classification criteria: PM2 moderated, PP3 supporting

NM_005235.3(ERBB4):c.2525G>A (p.Arg842Gln)

Gene: ERBB4 (erb-b2 receptor tyrosine kinase 4; minus strand). Cytogenetic location: 2q34.
Variant type: single nucleotide variant.
Coding change: c.2525G>A on transcript NM_005235.3 (MANE Select); coding-DNA position 2525, G replaced by A.
Protein change: p.Arg842Gln; replaces arginine 842 with glutamine.
Molecular consequence: missense variant.
Genome position (GRCh38, 1-based): chr2:211,431,063, C>T on the plus strand (G>A on the coding strand, the complement: ERBB4 is on the minus strand). VCF-style: chr2-211431063-C-T. GRCh37 (hg19) VCF-style: chr2-212295788-C-T.
Other names: c.2525G>A, p.Arg842Gln (NM_001042599.2); short protein forms R842Q.
Identifiers: ClinVar variation 2431554 (VCV002431554.1), dbSNP rs1412193732, ClinGen allele CA350779309.